The following is an entry in ClinVar:

NM_016156.6(MTMR2):c.1034del (p.Asn345fs)

Gene: MTMR2 (myotubularin related protein 2; minus strand). Cytogenetic location: 11q21.
Variant type: Deletion.
Coding change: c.1034del on transcript NM_016156.6 (MANE Select); coding-DNA position 1034, one base deleted (A; older notation c.1034delA).
Protein change: p.Asn345fs; shifts the reading frame from asparagine 345.
Molecular consequence: frameshift variant.
Genome position (GRCh38, 1-based): chr11:95,847,859, T deleted on the plus strand (A on the coding strand, the reverse complement: MTMR2 is on the minus strand); the first of 4 consecutive T bases (chr11:95,847,859-95,847,862); deleting any one gives the same sequence. VCF-style (leftmost placement, unchanged base first): chr11-95847858-AT-A. GRCh37 (hg19) VCF-style: chr11-95581022-AT-A.
Other names: c.1034delA (NM_016156.5); c.818del, p.Asn273fs (NM_001243571.2, NM_201278.3, NM_201281.3); short protein forms N273fs, N345fs.
Identifiers: ClinVar variation 216114 (VCV000216114.8), dbSNP rs863224516, ClinGen allele CA337376.

ClinVar aggregate classification (germline): Pathogenic (1 of 4 stars; one submission).

Conditions:
Charcot-Marie-Tooth disease type 4. Also called: Charcot-Marie-Tooth disease, type IV; Charcot-Marie-Tooth, Type 4. Identifiers: Orphanet 64749, MedGen C4082197, MONDO:0018995.

Submission:

Labcorp Genetics (formerly Invitae), Labcorp
Classification: Pathogenic for Charcot-Marie-Tooth disease type 4. Last evaluated: 2019-01-10. Review status: criteria provided, single submitter. Criteria: Invitae Variant Classification Sherloc (09022015). Collection method: clinical testing. Allele origin: germline.
Comment: For these reasons, this variant has been classified as Pathogenic. Loss-of-function variants in MTMR2 are known to be pathogenic (PMID: 10802647). This variant has not been reported in the literature in individuals with MTMR2-related conditions. ClinVar contains an entry for this variant (Variation ID: 216114). This variant is not present in population databases (ExAC no frequency). This sequence change creates a premature translational stop signal (p.Asn345Metfs*4) in the MTMR2 gene. It is expected to result in an absent or disrupted protein product.

Literature cited by the submitters: PubMed 10802647.